The following is an entry in ClinVar:

ClinVar aggregate classification (germline): Uncertain significance (1 of 4 stars; one submission).

Conditions:
Amyotrophic lateral sclerosis type 6. Also called: Amyotrophic lateral sclerosis 6, with or without frontotemporal dementia; FUS-Related Amyotrophic Laterial Sclerosis; AMYOTROPHIC LATERAL SCLEROSIS 6 WITHOUT FRONTOTEMPORAL DEMENTIA. Identifiers: Orphanet 275872, Orphanet 803, MedGen C2931786, MONDO:0011951, OMIM 608030.
Tremor, hereditary essential, 4 (ETM4). Identifiers: MedGen C3539195, MONDO:0013888, OMIM 614782.

Allele frequency attached by ClinVar (database versions not stated): TOPMed below 0.00001; gnomAD 0.00001.
gnomAD v4.1: 1 of 1,607,018 alleles (0.000062%); highest among the groups gnomAD compares: African/African-American, 0.0013%; no homozygotes.

Submission:

Labcorp Genetics (formerly Invitae), Labcorp
Classification: Uncertain significance for Tremor, hereditary essential, 4; Amyotrophic lateral sclerosis type 6. Last evaluated: 2023-02-21. Review status: criteria provided, single submitter. Criteria: Invitae Variant Classification Sherloc (09022015). Collection method: clinical testing. Allele origin: germline.
Comment: This variant has not been reported in the literature in individuals affected with FUS-related conditions. In summary, the available evidence is currently insufficient to determine the role of this variant in disease. Therefore, it has been classified as a Variant of Uncertain Significance. Experimental studies and prediction algorithms are not available or were not evaluated, and the functional significance of this variant is currently unknown. This variant is not present in population databases (gnomAD no frequency). This sequence change replaces methionine, which is neutral and non-polar, with threonine, which is neutral and polar, at codon 254 of the FUS protein (p.Met254Thr).

NM_004960.4(FUS):c.761T>C (p.Met254Thr)

Gene: FUS (FUS RNA binding protein; plus strand). Cytogenetic location: 16p11.2.
Variant type: single nucleotide variant.
Coding change: c.761T>C on transcript NM_004960.4 (MANE Select); coding-DNA position 761, T replaced by C.
Protein change: p.Met254Thr; replaces methionine 254 with threonine.
Molecular consequence: missense variant. On other transcripts: non-coding transcript variant (1).
Genome position (GRCh38, 1-based): chr16:31,185,176, T>C. VCF-style: chr16-31185176-T-C. GRCh37 (hg19) VCF-style: chr16-31196497-T-C.
Other names: c.758T>C, p.Met253Thr (NM_001170634.1); c.749T>C, p.Met250Thr (NM_001170937.1); short protein forms M254T, M250T, M253T.
Identifiers: ClinVar variation 2944148 (VCV002944148.3), dbSNP rs1191646406, ClinGen allele CA395670891.